The following is an entry in ClinVar:

NM_005908.4(MANBA):c.1485+9T>C

Gene: MANBA (mannosidase beta; minus strand). Cytogenetic location: 4q24.
Variant type: single nucleotide variant.
Coding change: c.1485+9T>C on transcript NM_005908.4 (MANE Select); 9 bases into the intron after coding-DNA position 1485, T replaced by C.
Molecular consequence: intron variant.
Genome position (GRCh38, 1-based): chr4:102,664,676, A>G on the plus strand (T>C on the coding strand, the complement: MANBA is on the minus strand). VCF-style: chr4-102664676-A-G. GRCh37 (hg19) VCF-style: chr4-103585833-A-G.
Identifiers: ClinVar variation 542167 (VCV000542167.14), dbSNP rs199592616, ClinGen allele CA3026890.

ClinVar aggregate classification (germline): Benign/Likely benign. Review status: criteria provided, multiple submitters, no conflicts (2 of 4 stars). 4 submissions from 4 submitters: Benign (1); Likely benign (2). 1 of the submissions does not count toward it. Last evaluated 2026-02-04.

Conditions:
MANBA-related disorder. Also called: MANBA-related condition.
Beta-D-mannosidosis (MANSB). Also called: MANNOSIDOSIS, BETA A, LYSOSOMAL; Beta-Mannosidosis; BETA-MANNOSIDASE DEFICIENCY; LYSOSOMAL BETA-MANNOSIDASE DEFICIENCY. Identifiers: Orphanet 118, MedGen C4048196, MONDO:0009562, OMIM 248510.

Allele frequency attached by ClinVar (database versions not stated): 1000 Genomes Project 30x 0.00031; TOPMed 0.00037; 1000 Genomes Project 0.00040; ESP Exome Variant Server 0.00046.
gnomAD v4.1: 1,000 of 1,605,588 alleles (0.062%); highest among the groups gnomAD compares: South Asian, 0.66%; 6 homozygotes.

Submissions (4):

Labcorp Genetics (formerly Invitae), Labcorp
Classification: Benign for Beta-D-mannosidosis. Last evaluated: 2026-02-04. Review status: criteria provided, single submitter. Criteria: Invitae Variant Classification Sherloc (09022015). Collection method: clinical testing. Allele origin: germline.

Blueprint Genetics
Classification: Likely benign. Last evaluated: 2024-11-13. Review status: criteria provided, single submitter. Criteria: ACMG Guidelines, 2015. Collection method: clinical testing. Allele origin: germline.

Illumina Laboratory Services, Illumina
Classification: Likely benign for Beta-D-mannosidosis. Last evaluated: 2018-01-12. Review status: criteria provided, single submitter. Criteria: ICSL Variant Classification Criteria 13 December 2019. Collection method: clinical testing. Allele origin: germline.
Comment: This variant was observed in the ICSL laboratory as part of a predisposition screen in an ostensibly healthy population. It had not been previously curated by ICSL or reported in the Human Gene Mutation Database (HGMD: prior to June 1st, 2018), and was therefore a candidate for classification through an automated scoring system. Utilizing variant allele frequency, disease prevalence and penetrance estimates, and inheritance mode, an automated score was calculated to assess if this variant is too frequent to cause the disease. Based on the score and internal cut-off values, a variant classified as likely benign is not then subjected to further curation. The score for this variant resulted in a classification of likely benign for this disease.

PreventionGenetics, part of Exact Sciences
Classification: Likely benign for MANBA-related condition. Last evaluated: 2024-03-06. Review status: no assertion criteria provided. Collection method: clinical testing. Allele origin: germline. Not counted in ClinVar's aggregate classification.
Comment: This variant is classified as likely benign based on ACMG/AMP sequence variant interpretation guidelines (Richards et al. 2015 PMID: 25741868, with internal and published modifications).